The following is an entry in ClinVar:

NM_001360.3(DHCR7):c.220G>A (p.Asp74Asn)

Gene: DHCR7 (7-dehydrocholesterol reductase; minus strand). Cytogenetic location: 11q13.4.
Variant type: single nucleotide variant.
Coding change: c.220G>A on transcript NM_001360.3 (MANE Select); coding-DNA position 220, G replaced by A.
Protein change: p.Asp74Asn; replaces aspartic acid 74 with asparagine.
Molecular consequence: missense variant.
Genome position (GRCh38, 1-based): chr11:71,444,094, C>T on the plus strand (G>A on the coding strand, the complement: DHCR7 is on the minus strand). VCF-style: chr11-71444094-C-T. GRCh37 (hg19) VCF-style: chr11-71155140-C-T.
Other names: c.220G>A, p.Asp74Asn (NM_001163817.2); short protein forms D74N.
Identifiers: ClinVar variation 2042541 (VCV002042541.2), dbSNP rs773481689, ClinGen allele CA6162664.

ClinVar aggregate classification (germline): Uncertain significance. Review status: criteria provided, multiple submitters, no conflicts (2 of 4 stars). 2 submissions from 2 submitters: Uncertain significance (2). Last evaluated 2024-11-25.

Conditions:
Smith-Lemli-Opitz syndrome (SLOS). Also called: LETHAL ACRODYSGENITAL SYNDROME; POLYDACTYLY, SEX REVERSAL, RENAL HYPOPLASIA, AND UNILOBAR LUNG; RSH SYNDROME; RUTLEDGE LETHAL MULTIPLE CONGENITAL ANOMALY SYNDROME; 7-Dehydrocholesterol reductase deficiency. Identifiers: Orphanet 818, MedGen C0175694, MONDO:0010035, OMIM 270400.

Allele frequency attached by ClinVar (database versions not stated): gnomAD 0.00001; ExAC 0.00003; gnomAD exomes 0.00003.
gnomAD v4.1: 42 of 1,613,508 alleles (0.0026%); highest among the groups gnomAD compares: South Asian, 0.045%; no homozygotes.

Submissions (2):

GeneDx
Classification: Uncertain significance. Last evaluated: 2024-11-25. Review status: criteria provided, single submitter. Criteria: GeneDx Variant Classification Process June 2021. Collection method: clinical testing. Allele origin: germline. Affected: yes.
Comment: In silico analysis supports that this missense variant has a deleterious effect on protein structure/function; Has not been previously published as pathogenic or benign to our knowledge

Labcorp Genetics (formerly Invitae), Labcorp
Classification: Uncertain significance for Smith-Lemli-Opitz syndrome. Last evaluated: 2022-08-17. Review status: criteria provided, single submitter. Criteria: Invitae Variant Classification Sherloc (09022015). Collection method: clinical testing. Allele origin: germline.
Comment: This sequence change replaces aspartic acid, which is acidic and polar, with asparagine, which is neutral and polar, at codon 74 of the DHCR7 protein (p.Asp74Asn). This variant is present in population databases (rs773481689, gnomAD 0.04%). This variant has not been reported in the literature in individuals affected with DHCR7-related conditions. Algorithms developed to predict the effect of missense changes on protein structure and function output the following: SIFT: "Tolerated"; PolyPhen-2: "Benign"; Align-GVGD: "Class C0". The asparagine amino acid residue is found in multiple mammalian species, which suggests that this missense change does not adversely affect protein function. In summary, the available evidence is currently insufficient to determine the role of this variant in disease. Therefore, it has been classified as a Variant of Uncertain Significance.